The following is an entry in ClinVar:

NM_000350.3(ABCA4):c.5843C>T (p.Pro1948Leu)

Gene: ABCA4 (ATP binding cassette subfamily A member 4; minus strand). Cytogenetic location: 1p22.1.
Variant type: single nucleotide variant.
Coding change: c.5843C>T on transcript NM_000350.3 (MANE Select); coding-DNA position 5843, C replaced by T.
Protein change: p.Pro1948Leu; replaces proline 1948 with leucine.
Molecular consequence: missense variant.
Genome position (GRCh38, 1-based): chr1:94,008,290, G>A on the plus strand (C>T on the coding strand, the complement: ABCA4 is on the minus strand). VCF-style: chr1-94008290-G-A. GRCh37 (hg19) VCF-style: chr1-94473846-G-A.
Other names: p.P1948L:CCA>CTA; NM_000350.3(ABCA4):c.5843C>T; c.5621C>T, p.Pro1874Leu (NM_001425324.1); short protein forms P1948L, P1874L.
Identifiers: ClinVar variation 99413 (VCV000099413.20), dbSNP rs56142141, ClinGen allele CA285822.

ClinVar aggregate classification (germline): Likely benign. Review status: reviewed by expert panel (3 of 4 stars). 11 submissions from 11 submitters: Likely benign (1). 10 of the submissions do not count toward it. Last evaluated 2025-11-25.

Conditions:
ABCA4-related retinopathy. Also called: ABCA4-related retinoapthy; ABCA4 retinoapthy. Identifiers: MedGen CN322612, MONDO:0800406.
ABCA4-related disorder. Also called: ABCA4-related condition; ABCA4-related disorders. Identifiers: MedGen CN239167.
Retinal dystrophy. Also called: Inherited retinal dystrophy. Identifiers: Orphanet 71862, MedGen C0854723, MeSH D058499, MONDO:0019118, HP:0000556.
Severe early-childhood-onset retinal dystrophy (STGD1). Also called: MACULAR DYSTROPHY WITH FLECKS, TYPE 1; STGD; Stargardt disease 1; Stargardt macular dystrophy; Juvenile onset macular degeneration. Identifiers: Orphanet 364055, Orphanet 827, MedGen C1855465, MeSH D000080362, MONDO:0009549, OMIM 248200.
Age related macular degeneration 2. Also called: MACULAR DEGENERATION, SENILE; MACULOPATHY, AGE-RELATED, 2; MACULOPATHY, AGE-RELATED. Identifiers: MedGen C3495438, MONDO:0007932, OMIM 153800.

Allele frequency attached by ClinVar (database versions not stated): TOPMed 0.02926; gnomAD exomes 0.04039 and 0.03136; 1000 Genomes Project 30x 0.01640; gnomAD 0.03086 and 0.03191; ESP Exome Variant Server 0.02806; ExAC 0.03056; 1000 Genomes Project 0.01657.
gnomAD v4.1: 63,393 of 1,613,262 alleles (3.9%); highest among the groups gnomAD compares: Non-Finnish European, 4.6%; 1,534 homozygotes.

Submissions (11):

ClinGen ABCA4 Variant Curation Expert Panel, Clingen
Classification: Likely benign for ABCA4-related retinopathy. Last evaluated: 2025-11-25. Review status: reviewed by expert panel. Criteria: ClinGen ABCA4 ACMG Specifications V1.0.0. Collection method: curation. Allele origin: germline. Inheritance: Autosomal recessive inheritance.
Comment: The NM_000350.3(ABCA4):c.5843C>T variant in ABCA4 is a missense variant predicted to cause substitution of proline by leucine at amino acid 1948 (p.Pro1948Leu). The GroupMax filtering allele frequency in gnomAD v4.1.0 is 0.04554, which is greater than the ClinGen ABCA4 VCEP’s threshold for BS1 (>0.0163). The computational predictor REVEL gives a score of 0.307 which is neither above nor below the thresholds predicting a damaging (>0.644) or benign (<0.29) impact on ABCA4 function, and SpliceAI gives a score <0.2. In summary, this variant meets the criteria to be classified as likely benign for ABCA4-related retinopathy based on the ACMG/AMP criteria applied, as specified by the ClinGen ABCA4 VCEP (Specification Version 1.0.0): BS1.

Labcorp Genetics (formerly Invitae), Labcorp
Classification: Benign. Last evaluated: 2025-05-02. Review status: criteria provided, single submitter. Criteria: Invitae Variant Classification Sherloc (09022015). Collection method: clinical testing. Allele origin: germline. Not counted in ClinVar's aggregate classification.

Blueprint Genetics
Classification: Benign. Last evaluated: 2024-11-25. Review status: criteria provided, single submitter. Criteria: ACMG Guidelines, 2015. Collection method: clinical testing. Allele origin: germline. Not counted in ClinVar's aggregate classification.

Dept Of Ophthalmology, Nagoya University
Classification: Benign for Retinal dystrophy. Last evaluated: 2023-10-01. Review status: criteria provided, single submitter. Criteria: Submitter's publication. Collection method: research. Allele origin: germline. Affected: yes. Not counted in ClinVar's aggregate classification.

Centre for Mendelian Genomics, University Medical Centre Ljubljana
Classification: Uncertain significance for Age related macular degeneration 2. Last evaluated: 2020-03-21. Review status: criteria provided, single submitter. Criteria: ACMG Guidelines, 2015. Collection method: clinical testing. Allele origin: unknown. Affected: yes. Not counted in ClinVar's aggregate classification.
Comment: This variant was classified as: Uncertain significance. The available evidence favors the pathogenic nature of this variant, however the currently available data is insufficient to conclusively support its pathogenic nature. Thus this variant is classified as Uncertain significance - favor pathogenic. The following ACMG criteria were applied in classifying this variant: PS1,PP3.

Illumina Laboratory Services, Illumina
Classification: Likely benign for ABCA4-Related Disorders. Last evaluated: 2018-01-13. Review status: criteria provided, single submitter. Criteria: ICSL Variant Classification Criteria 13 December 2019. Collection method: clinical testing. Allele origin: germline. Not counted in ClinVar's aggregate classification.
Comment: This variant was observed in the ICSL laboratory as part of a predisposition screen in an ostensibly healthy population. It had not been previously curated by ICSL or reported in the Human Gene Mutation Database (HGMD: prior to June 1st, 2018), and was therefore a candidate for classification through an automated scoring system. Utilizing variant allele frequency, disease prevalence and penetrance estimates, and inheritance mode, an automated score was calculated to assess if this variant is too frequent to cause the disease. Based on the score and internal cut-off values, a variant classified as likely benign is not then subjected to further curation. The score for this variant resulted in a classification of likely benign for this disease.

Eurofins Ntd Llc (ga)
Classification: Benign. Last evaluated: 2017-12-01. Review status: criteria provided, single submitter. Criteria: EGL Classification Definitions 2015. Collection method: clinical testing. Allele origin: germline. Observed: 1 variant allele, 1 heterozygote. Not counted in ClinVar's aggregate classification.

GeneDx
Classification: Benign. Last evaluated: 2012-10-10. Review status: criteria provided, single submitter. Criteria: GeneDx Variant Classification (06012015). Collection method: clinical testing. Allele origin: germline. Affected: yes. Not counted in ClinVar's aggregate classification.
Comment: This variant is considered likely benign or benign based on one or more of the following criteria: it is a conservative change, it occurs at a poorly conserved position in the protein, it is predicted to be benign by multiple in silico algorithms, and/or has population frequency not consistent with disease.

PreventionGenetics, part of Exact Sciences
Classification: Benign. Review status: criteria provided, single submitter. Criteria: ACMG Guidelines, 2015. Collection method: clinical testing. Allele origin: germline. Not counted in ClinVar's aggregate classification.

Ophthalmo-Genetics Lab, Instituto de Oftalmologia Conde de Valenciana
Classification: Benign for Severe early-childhood-onset retinal dystrophy. Review status: no assertion criteria provided. Collection method: research. Allele origin: germline. Inheritance: Autosomal recessive inheritance. Affected: yes. Not counted in ClinVar's aggregate classification.

Retina International
No classification provided. Review status: no classification provided. Collection method: not provided. Allele origin: not provided. Not counted in ClinVar's aggregate classification.

Literature cited by the submitters: PubMed 25066811 (cited by Ophthalmo-Genetics Lab, Instituto de Oftalmologia Conde de Valenciana).